The following is an entry in ClinVar:

ClinVar aggregate classification (germline): Uncertain significance. Review status: criteria provided, multiple submitters, no conflicts (2 of 4 stars). 2 submissions from 2 submitters: Uncertain significance (2). Last evaluated 2025-12-15.

Conditions:
Inborn genetic diseases. Identifiers: MedGen C0950123, MeSH D030342.

gnomAD v4.1: 3 of 1,614,008 alleles (0.00019%); highest among the groups gnomAD compares: Non-Finnish European, 0.00025%; no homozygotes.

Submissions (2):

Ambry Genetics
Classification: Uncertain significance for Inborn genetic diseases. Last evaluated: 2025-12-15. Review status: criteria provided, single submitter. Criteria: Ambry Variant Classification Scheme 2023. Collection method: clinical testing. Allele origin: germline.

Labcorp Genetics (formerly Invitae), Labcorp
Classification: Uncertain significance. Last evaluated: 2021-08-09. Review status: criteria provided, single submitter. Criteria: Invitae Variant Classification Sherloc (09022015). Collection method: clinical testing. Allele origin: germline.
Comment: In summary, the available evidence is currently insufficient to determine the role of this variant in disease. Therefore, it has been classified as a Variant of Uncertain Significance. Algorithms developed to predict the effect of missense changes on protein structure and function are either unavailable or do not agree on the potential impact of this missense change (SIFT: "Deleterious"; PolyPhen-2: "Benign"; Align-GVGD: "Class C15"). This variant has not been reported in the literature in individuals affected with TRPM1-related conditions. This variant is not present in population databases (ExAC no frequency). This sequence change replaces glycine with cysteine at codon 677 of the TRPM1 protein (p.Gly677Cys). The glycine residue is moderately conserved and there is a large physicochemical difference between glycine and cysteine.

NM_001252024.2(TRPM1):c.2095G>T (p.Gly699Cys)

Gene: TRPM1 (transient receptor potential cation channel subfamily M member 1; minus strand). Cytogenetic location: 15q13.3.
Variant type: single nucleotide variant.
Coding change: c.2095G>T on transcript NM_001252024.2 (MANE Select); coding-DNA position 2095, G replaced by T.
Protein change: p.Gly699Cys; replaces glycine 699 with cysteine.
Molecular consequence: missense variant.
Genome position (GRCh38, 1-based): chr15:31,040,339, C>A on the plus strand (G>T on the coding strand, the complement: TRPM1 is on the minus strand). VCF-style: chr15-31040339-C-A. GRCh37 (hg19) VCF-style: chr15-31332542-C-A.
Other names: c.2146G>T, p.Gly716Cys (NM_001252020.2); c.2029G>T, p.Gly677Cys (NM_002420.6); c.2029G>T (NM_002420.4); short protein forms G716C, G677C, G699C.
Identifiers: ClinVar variation 1427551 (VCV001427551.7), dbSNP rs375582184, ClinGen allele CA391510805.